The following is an entry in ClinVar:

NM_001367949.2(FAT3):c.10819G>A (p.Ala3607Thr)

Gene: FAT3 (FAT atypical cadherin 3; plus strand). Cytogenetic location: 11q14.3.
Variant type: single nucleotide variant.
Coding change: c.10819G>A on transcript NM_001367949.2 (MANE Select); coding-DNA position 10819, G replaced by A.
Protein change: p.Ala3607Thr; replaces alanine 3607 with threonine.
Molecular consequence: missense variant.
Genome position (GRCh38, 1-based): chr11:92,844,186, G>A. VCF-style: chr11-92844186-G-A. GRCh37 (hg19) VCF-style: chr11-92577352-G-A.
Other names: c.10819G>A, p.Ala3607Thr (NM_001008781.3); short protein forms A3607T.
Identifiers: ClinVar variation 3037963 (VCV003037963.2), dbSNP rs200032318, ClinGen allele CA6228198.

ClinVar aggregate classification (germline): Likely benign (0 of 4 stars; one submission).

Conditions:
FAT3-related disorder. Also called: FAT3-related condition.

Allele frequency attached by ClinVar (database versions not stated): 1000 Genomes Project 30x 0.00078; 1000 Genomes Project 0.00080; ExAC 0.00209; TOPMed 0.00289; gnomAD exomes 0.00401; ESP Exome Variant Server 0.00403.
gnomAD v4.1: 6,227 of 1,613,978 alleles (0.39%); highest among the groups gnomAD compares: Non-Finnish European, 0.49%; 13 homozygotes.

Submission:

PreventionGenetics, part of Exact Sciences
Classification: Likely benign for FAT3-related condition. Last evaluated: 2022-11-30. Review status: no assertion criteria provided. Collection method: clinical testing. Allele origin: germline.
Comment: This variant is classified as likely benign based on ACMG/AMP sequence variant interpretation guidelines (Richards et al. 2015 PMID: 25741868, with internal and published modifications).